The following is an entry in ClinVar:

NM_004006.3(DMD):c.1160T>G (p.Met387Arg)

Gene: DMD (dystrophin; minus strand). Cytogenetic location: Xp21.1.
Variant type: single nucleotide variant.
Coding change: c.1160T>G on transcript NM_004006.3 (MANE Select); coding-DNA position 1160, T replaced by G.
Protein change: p.Met387Arg; replaces methionine 387 with arginine.
Molecular consequence: missense variant.
Genome position (GRCh38, 1-based): chrX:32,644,303, A>C on the plus strand (T>G on the coding strand, the complement: DMD is on the minus strand). VCF-style: chrX-32644303-A-C. GRCh37 (hg19) VCF-style: chrX-32662420-A-C.
Other names: c.1136T>G, p.Met379Arg (NM_000109.4); c.1148T>G, p.Met383Arg (NM_004009.3); c.791T>G, p.Met264Arg (NM_004010.3); short protein forms M264R, M379R, M383R, M387R.
Identifiers: ClinVar variation 1463537 (VCV001463537.8), dbSNP rs746169492, ClinGen allele CA412661445.
Genomic context (GRCh38, chrX:32,644,303, plus strand): 5'-ATCAGCTTACTTCCCAATTGTAGAATATTACCAACCCGGCCCTGATGGGCTGTCAAATCC[A>C]TCATGTACCCCTGACAAAGAAGGAAGTTAACAATTGTAATTAGAACTCTAGGTAAATCGG-3'
Protein context (NP_003997.2, residues 377-397): DQFHTHEGYM[Met387Arg]DLTAHQGRVG

ClinVar aggregate classification (germline): Uncertain significance (1 of 4 stars; one submission).

Conditions:
Duchenne muscular dystrophy (DMD). Also called: Duchenne Muscular Dystrophy (DMD); MUSCULAR DYSTROPHY, PSEUDOHYPERTROPHIC PROGRESSIVE, DUCHENNE TYPE. Identifiers: Orphanet 98896, MedGen C0013264, MONDO:0010679, OMIM 310200.

Submission:

Labcorp Genetics (formerly Invitae), Labcorp
Classification: Uncertain significance for Duchenne muscular dystrophy. Last evaluated: 2022-07-05. Review status: criteria provided, single submitter. Criteria: Invitae Variant Classification Sherloc (09022015). Collection method: clinical testing. Allele origin: germline.
Comment: In summary, the available evidence is currently insufficient to determine the role of this variant in disease. Therefore, it has been classified as a Variant of Uncertain Significance. Algorithms developed to predict the effect of missense changes on protein structure and function are either unavailable or do not agree on the potential impact of this missense change (SIFT: "Deleterious"; PolyPhen-2: "Benign"; Align-GVGD: "Class C45"). ClinVar contains an entry for this variant (Variation ID: 1463537). This variant has not been reported in the literature in individuals affected with DMD-related conditions. This variant is not present in population databases (gnomAD no frequency). This sequence change replaces methionine, which is neutral and non-polar, with arginine, which is basic and polar, at codon 387 of the DMD protein (p.Met387Arg).